The following is an entry in ClinVar:

ClinVar aggregate classification (germline): Uncertain significance (1 of 4 stars; one submission).

Submission:

GeneDx
Classification: Uncertain significance. Last evaluated: 2025-09-11. Review status: criteria provided, single submitter. Criteria: GeneDx Variant Classification Process June 2021. Collection method: clinical testing. Allele origin: germline. Affected: yes.
Comment: Not observed at significant frequency in large population cohorts (gnomAD); In silico analysis suggests that this variant does not alter splicing; Nucleotide is not conserved across species and the substitution has no predicted effect on splicing; Has not been previously published as pathogenic or benign to our knowledge

NM_001197104.2(KMT2A):c.4086+6G>C

Gene: KMT2A (lysine methyltransferase 2A; plus strand). Cytogenetic location: 11q23.3.
Variant type: single nucleotide variant.
Coding change: c.4086+6G>C on transcript NM_001197104.2 (MANE Select); 6 bases into the intron after coding-DNA position 4086, G replaced by C.
Molecular consequence: intron variant.
Genome position (GRCh38, 1-based): chr11:118,482,501, G>C. VCF-style: chr11-118482501-G-C. GRCh37 (hg19) VCF-style: chr11-118353216-G-C.
Other names: c.4185+6G>C (NM_001412597.1); c.4086+6G>C (NM_005933.4).
Identifiers: ClinVar variation 4813374 (VCV004813374.1).